The following is an entry in ClinVar:

ClinVar aggregate classification (germline): Uncertain significance (1 of 4 stars; one submission).

Allele frequency attached by ClinVar (database versions not stated): TOPMed below 0.00001.

Submission:

Labcorp Genetics (formerly Invitae), Labcorp
Classification: Uncertain significance. Last evaluated: 2022-08-16. Review status: criteria provided, single submitter. Criteria: Invitae Variant Classification Sherloc (09022015). Collection method: clinical testing. Allele origin: germline.
Comment: This sequence change replaces histidine, which is basic and polar, with aspartic acid, which is acidic and polar, at codon 2862 of the LRP2 protein (p.His2862Asp). This variant is not present in population databases (gnomAD no frequency). This variant has not been reported in the literature in individuals affected with LRP2-related conditions. ClinVar contains an entry for this variant (Variation ID: 1345846). Advanced modeling of protein sequence and biophysical properties (such as structural, functional, and spatial information, amino acid conservation, physicochemical variation, residue mobility, and thermodynamic stability) performed at Invitae indicates that this missense variant is not expected to disrupt LRP2 protein function. In summary, the available evidence is currently insufficient to determine the role of this variant in disease. Therefore, it has been classified as a Variant of Uncertain Significance.

NM_004525.3(LRP2):c.8584C>G (p.His2862Asp)

Gene: LRP2 (LDL receptor related protein 2; minus strand). Cytogenetic location: 2q31.1.
Variant type: single nucleotide variant.
Coding change: c.8584C>G on transcript NM_004525.3 (MANE Select); coding-DNA position 8584, C replaced by G.
Protein change: p.His2862Asp; replaces histidine 2862 with aspartic acid.
Molecular consequence: missense variant.
Genome position (GRCh38, 1-based): chr2:169,197,025, G>C on the plus strand (C>G on the coding strand, the complement: LRP2 is on the minus strand). VCF-style: chr2-169197025-G-C. GRCh37 (hg19) VCF-style: chr2-170053535-G-C.
Other names: short protein forms H2862D.
Identifiers: ClinVar variation 1345846 (VCV001345846.5), dbSNP rs1688026971, ClinGen allele CA349163101.